The following is an entry in ClinVar:

ClinVar aggregate classification (germline): Uncertain significance (1 of 4 stars; one submission).

Conditions:
Cardiovascular phenotype. Identifiers: MedGen CN230736.

Submission:

Ambry Genetics
Classification: Uncertain significance for Cardiovascular phenotype. Last evaluated: 2023-12-16. Review status: criteria provided, single submitter. Criteria: Ambry Variant Classification Scheme 2023. Collection method: clinical testing. Allele origin: germline.
Comment: The p.D152E variant (also known as c.456T>A), located in coding exon 6 of the CACNA2D1 gene, results from a T to A substitution at nucleotide position 456. The aspartic acid at codon 152 is replaced by glutamic acid, an amino acid with highly similar properties. This amino acid position is conserved. In addition, this alteration is predicted to be tolerated by in silico analysis. Since supporting evidence is limited at this time, the clinical significance of this alteration remains unclear.

NM_000722.4(CACNA2D1):c.456T>A (p.Asp152Glu)

Gene: CACNA2D1 (calcium voltage-gated channel auxiliary subunit alpha2delta 1; minus strand). Cytogenetic location: 7q21.11.
Variant type: single nucleotide variant.
Coding change: c.456T>A on transcript NM_000722.4 (MANE Select); coding-DNA position 456, T replaced by A.
Protein change: p.Asp152Glu; replaces aspartic acid 152 with glutamic acid.
Molecular consequence: missense variant.
Genome position (GRCh38, 1-based): chr7:82,117,114, A>T on the plus strand (T>A on the coding strand, the complement: CACNA2D1 is on the minus strand). VCF-style: chr7-82117114-A-T. GRCh37 (hg19) VCF-style: chr7-81746430-A-T.
Other names: c.456T>A, p.Asp152Glu (NM_001302890.2, NM_001366867.1); short protein forms D152E.
Identifiers: ClinVar variation 3232272 (VCV003232272.1), dbSNP rs2487079960, ClinGen allele CA368017104.